The following is an entry in ClinVar:

NM_139318.5(KCNH5):c.2704C>T (p.Pro902Ser)

Gene: KCNH5 (potassium voltage-gated channel subfamily H member 5; minus strand). Cytogenetic location: 14q23.2.
Variant type: single nucleotide variant.
Coding change: c.2704C>T on transcript NM_139318.5 (MANE Select); coding-DNA position 2704, C replaced by T.
Protein change: p.Pro902Ser; replaces proline 902 with serine.
Molecular consequence: missense variant. On other transcripts: 3 prime UTR variant (1).
Genome position (GRCh38, 1-based): chr14:62,707,771, G>A on the plus strand (C>T on the coding strand, the complement: KCNH5 is on the minus strand). VCF-style: chr14-62707771-G-A. GRCh37 (hg19) VCF-style: chr14-63174489-G-A.
Other names: c.*671C>T (NM_172375.3); short protein forms P902S.
Identifiers: ClinVar variation 1383884 (VCV001383884.7), dbSNP rs757688048, ClinGen allele CA390100013.

ClinVar aggregate classification (germline): Uncertain significance (1 of 4 stars; one submission).

Conditions:
Early-infantile DEE. Also called: Early infantile epileptic encephalopathy with suppression bursts; Early infantile epileptic encephalopathy; Ohtahara syndrome. Identifiers: Orphanet 1934, MedGen C0393706, MONDO:0800491.

gnomAD v4.1: 1 of 1,614,132 alleles (0.000062%); highest among the groups gnomAD compares: Non-Finnish European, 0.000085%; no homozygotes.

Submission:

Labcorp Genetics (formerly Invitae), Labcorp
Classification: Uncertain significance for Early-infantile DEE. Last evaluated: 2023-08-17. Review status: criteria provided, single submitter. Criteria: Invitae Variant Classification Sherloc (09022015). Collection method: clinical testing. Allele origin: germline.
Comment: This variant is not present in population databases (gnomAD no frequency). This variant has not been reported in the literature in individuals affected with KCNH5-related conditions. ClinVar contains an entry for this variant (Variation ID: 1383884). Advanced modeling of protein sequence and biophysical properties (such as structural, functional, and spatial information, amino acid conservation, physicochemical variation, residue mobility, and thermodynamic stability) performed at Invitae indicates that this missense variant is not expected to disrupt KCNH5 protein function. In summary, the available evidence is currently insufficient to determine the role of this variant in disease. Therefore, it has been classified as a Variant of Uncertain Significance. This sequence change replaces proline, which is neutral and non-polar, with serine, which is neutral and polar, at codon 902 of the KCNH5 protein (p.Pro902Ser).